The following is an entry in ClinVar:

NM_006180.6(NTRK2):c.894C>A (p.Asp298Glu)

Gene: NTRK2 (neurotrophic receptor tyrosine kinase 2; plus strand). Cytogenetic location: 9q21.33.
Variant type: single nucleotide variant.
Coding change: c.894C>A on transcript NM_006180.6 (MANE Select); coding-DNA position 894, C replaced by A.
Protein change: p.Asp298Glu; replaces aspartic acid 298 with glutamic acid.
Molecular consequence: missense variant. On other transcripts: nonsense (2).
Genome position (GRCh38, 1-based): chr9:84,727,694, C>A. VCF-style: chr9-84727694-C-A. GRCh37 (hg19) VCF-style: chr9-87342609-C-A.
Other names: c.894C>A, p.Asp298Glu (NM_001007097.3, NM_001018064.3, NM_001018065.2 and 16 more transcripts); c.855C>A, p.Tyr285Ter (NM_001291937.2, NM_001369546.1); c.426C>A, p.Asp142Glu (NM_001369535.1, NM_001369536.1, NM_001369550.1 and 2 more transcripts); short protein forms D142E, D298E, Y285*.
Identifiers: ClinVar variation 3346448 (VCV003346448.1).

ClinVar aggregate classification (germline): Uncertain significance (0 of 4 stars; one submission).

Conditions:
NTRK2-related disorder. Also called: NTRK2-related condition.

Submission:

PreventionGenetics, part of Exact Sciences
Classification: Uncertain significance for NTRK2-related condition. Last evaluated: 2024-05-31. Review status: no assertion criteria provided. Collection method: clinical testing. Allele origin: germline.
Comment: The NTRK2 c.855C>A variant is predicted to result in premature protein termination (p.Tyr285*). To our knowledge, this variant has not been reported in the literature or in a large population database, indicating this variant is rare. In alternate transcripts of the gene (e.g. NM_006180), this is a missense variant (c.894C>A, p.Asp298Glu). At this time, the clinical significance of this variant is uncertain due to the absence of conclusive functional and genetic evidence.